The following is an entry in ClinVar:

NM_004560.4(ROR2):c.7C>T (p.Arg3Trp)

Gene: ROR2 (receptor tyrosine kinase like orphan receptor 2; minus strand). Cytogenetic location: 9q22.31.
Variant type: single nucleotide variant.
Coding change: c.7C>T on transcript NM_004560.4 (MANE Select); coding-DNA position 7, C replaced by T.
Protein change: p.Arg3Trp; replaces arginine 3 with tryptophan.
Molecular consequence: missense variant.
Genome position (GRCh38, 1-based): chr9:91,949,957, G>A on the plus strand (C>T on the coding strand, the complement: ROR2 is on the minus strand). VCF-style: chr9-91949957-G-A. GRCh37 (hg19) VCF-style: chr9-94712239-G-A.
Other names: c.7C>T, p.Arg3Trp (NM_001318204.2); short protein forms R3W.
Identifiers: ClinVar variation 193287 (VCV000193287.18), dbSNP rs539329891, ClinGen allele CA238800.

ClinVar aggregate classification (germline): Benign/Likely benign. Review status: criteria provided, multiple submitters, no conflicts (2 of 4 stars). 5 submissions from 4 submitters: Benign (3); Likely benign (2). Last evaluated 2025-12-10.

Conditions:
Autosomal recessive Robinow syndrome (RRS1). Also called: ROBINOW SYNDROME, AUTOSOMAL RECESSIVE 1; COSTOVERTEBRAL SEGMENTATION DEFECT WITH MESOMELIA; COVESDEM SYNDROME; ROR2-Related Robinow Syndrome. Identifiers: Orphanet 1507, Orphanet 97360, MedGen C5399974, MONDO:0009999, OMIM 268310.
Brachydactyly type B1 (BDB1). Identifiers: Orphanet 572385, Orphanet 93383, MedGen C1862112, MONDO:0007220, OMIM 113000.

Allele frequency attached by ClinVar (database versions not stated): gnomAD exomes 0.00021 and 0.00034; ExAC 0.00024; gnomAD 0.00250 and 0.00261; TOPMed 0.00265; 1000 Genomes Project 30x 0.00297; 1000 Genomes Project 0.00319.
gnomAD v4.1: 676 of 1,477,256 alleles (0.046%); highest among the groups gnomAD compares: African/African-American, 0.89%; 3 homozygotes.

Submissions (5):

Labcorp Genetics (formerly Invitae), Labcorp
Classification: Benign. Last evaluated: 2025-12-10. Review status: criteria provided, single submitter. Criteria: Invitae Variant Classification Sherloc (09022015). Collection method: clinical testing. Allele origin: germline.

Fulgent Genetics
Classification: Likely benign for Brachydactyly type B1; Autosomal recessive Robinow syndrome. Last evaluated: 2021-10-19. Review status: criteria provided, single submitter. Criteria: ACMG Guidelines, 2015. Collection method: clinical testing. Allele origin: unknown.

Illumina Laboratory Services, Illumina
Classification: Benign for Brachydactyly type B1. Last evaluated: 2018-01-12. Review status: criteria provided, single submitter. Criteria: ICSL Variant Classification Criteria 13 December 2019. Collection method: clinical testing. Allele origin: germline.
Comment: This variant was observed in the ICSL laboratory as part of a predisposition screen in an ostensibly healthy population. It had not been previously curated by ICSL or reported in the Human Gene Mutation Database (HGMD: prior to June 1st, 2018), and was therefore a candidate for classification through an automated scoring system. Utilizing variant allele frequency, disease prevalence and penetrance estimates, and inheritance mode, an automated score was calculated to assess if this variant is too frequent to cause the disease. Based on the score and internal cut-off values, a variant classified as benign is not then subjected to further curation. The score for this variant resulted in a classification of benign for this disease.

Illumina Laboratory Services, Illumina
Classification: Benign for Autosomal recessive Robinow syndrome. Last evaluated: 2018-01-12. Review status: criteria provided, single submitter. Criteria: ICSL Variant Classification Criteria 13 December 2019. Collection method: clinical testing. Allele origin: germline.
Comment: the same text as in the submission from Illumina Laboratory Services, Illumina above.

Eurofins Ntd Llc (ga)
Classification: Likely benign. Last evaluated: 2017-09-27. Review status: criteria provided, single submitter. Criteria: EGL Classification Definitions 2015. Collection method: clinical testing. Allele origin: germline. Observed: 2 variant alleles, 2 heterozygotes.